The following is an entry in ClinVar:

NM_006648.4(WNK2):c.6286G>T (p.Gly2096Cys)

Gene: WNK2 (WNK lysine deficient protein kinase 2; plus strand). Cytogenetic location: 9q22.31.
Variant type: single nucleotide variant.
Coding change: c.6286G>T on transcript NM_006648.4 (MANE Select); coding-DNA position 6286, G replaced by T.
Protein change: p.Gly2096Cys; replaces glycine 2096 with cysteine.
Molecular consequence: missense variant.
Genome position (GRCh38, 1-based): chr9:93,308,354, G>T. VCF-style: chr9-93308354-G-T. GRCh37 (hg19) VCF-style: chr9-96070636-G-T.
Other names: c.6397G>T, p.Gly2133Cys (NM_001282394.3); short protein forms G2133C, G2096C.
Identifiers: ClinVar variation 4605260 (VCV004605260.1).

ClinVar aggregate classification (germline): Uncertain significance (1 of 4 stars; one submission).

Submission:

Ambry Genetics
Classification: Uncertain significance. Last evaluated: 2025-10-15. Review status: criteria provided, single submitter. Criteria: Ambry Variant Classification Scheme 2023. Collection method: clinical testing. Allele origin: germline.
Comment: The p.G2096C variant (also known as c.6286G>T), located in coding exon 27 of the WNK2 gene, results from a G to T substitution at nucleotide position 6286. The glycine at codon 2096 is replaced by cysteine, an amino acid with highly dissimilar properties. This amino acid position is conserved. In addition, this alteration is predicted to be tolerated by in silico analysis. Based on the available evidence, the clinical significance of this variant remains unclear.